The following is an entry in ClinVar:

ClinVar aggregate classification (germline): Likely benign (1 of 4 stars; one submission).

Submission:

CeGaT Center for Human Genetics Tuebingen
Classification: Likely benign. Last evaluated: 2026-05-01. Review status: criteria provided, single submitter. Criteria: CeGaT Center For Human Genetics Tuebingen Variant Classification Criteria Version 2. Collection method: clinical testing. Allele origin: germline. Affected: yes. Observed: 1 variant allele.
Comment: RHOBTB2: BP4, BP7

NM_015178.3(RHOBTB2):c.1560C>T (p.Ser520=)

Gene: RHOBTB2 (Rho related BTB domain containing 2; plus strand). Cytogenetic location: 8p21.3.
Variant type: single nucleotide variant.
Coding change: c.1560C>T on transcript NM_015178.3 (MANE Select); coding-DNA position 1560, C replaced by T.
Protein change: p.Ser520=; no amino-acid change (serine 520 retained).
Molecular consequence: synonymous variant.
Genome position (GRCh38, 1-based): chr8:23,008,051, C>T. VCF-style: chr8-23008051-C-T. GRCh37 (hg19) VCF-style: chr8-22865564-C-T.
Other names: c.1626C>T, p.Ser542= (NM_001160036.2); c.1581C>T, p.Ser527= (NM_001160037.2); c.1560C>T, p.Ser520= (NM_001374791.1).
Identifiers: ClinVar variation 4872813 (VCV004872813.2).